The following is an entry in ClinVar:

ClinVar aggregate classification (germline): Uncertain significance (1 of 4 stars; one submission).

Conditions:
Melnick-Needles syndrome (MNS). Also called: MELNICK-NEEDLES OSTEODYSPLASTY; OSTEODYSPLASTY OF MELNICK AND NEEDLES; Melnick-Needles Syndrome (FLNA-MNS). Identifiers: Orphanet 2484, MedGen C0025237, MONDO:0010650, OMIM 309350.
Heterotopia, periventricular, X-linked dominant (PVNH1). Also called: PERIVENTRICULAR NODULAR HETEROTOPIA 1; X-linked periventricular heterotopia; PERIVENTRICULAR NODULAR HETEROTOPIA 4; HETEROTOPIA, PERIVENTRICULAR, 1. Identifiers: Orphanet 2149, Orphanet 82004, MedGen C1848213, MONDO:0010233, OMIM 300049.
Frontometaphyseal dysplasia (FMD1). Identifiers: Orphanet 1826, MedGen C0265293, MONDO:0015942.
Oto-palato-digital syndrome, type II (OPD2). Also called: FACIOPALATOOSSEOUS SYNDROME; OPD II SYNDROME; Otopalatodigital Syndrome Type 2 (FLNA-OPD2); Otopalatodigital Syndrome, Type II. Identifiers: Orphanet 669, Orphanet 90652, MedGen C1844696, MONDO:0010571, OMIM 304120.

Submission:

Labcorp Genetics (formerly Invitae), Labcorp
Classification: Uncertain significance for Oto-palato-digital syndrome, type II; Heterotopia, periventricular, X-linked dominant; Frontometaphyseal dysplasia; Melnick-Needles syndrome. Last evaluated: 2022-02-06. Review status: criteria provided, single submitter. Criteria: Invitae Variant Classification Sherloc (09022015). Collection method: clinical testing. Allele origin: germline.
Comment: This variant is not present in population databases (gnomAD no frequency). In summary, the available evidence is currently insufficient to determine the role of this variant in disease. Therefore, it has been classified as a Variant of Uncertain Significance. Advanced modeling of protein sequence and biophysical properties (such as structural, functional, and spatial information, amino acid conservation, physicochemical variation, residue mobility, and thermodynamic stability) performed at Invitae indicates that this missense variant is not expected to disrupt FLNA protein function. This variant has not been reported in the literature in individuals affected with FLNA-related conditions. This sequence change replaces leucine, which is neutral and non-polar, with methionine, which is neutral and non-polar, at codon 1994 of the FLNA protein (p.Leu1994Met).

NM_001110556.2(FLNA):c.6004C>A (p.Leu2002Met)

Gene: FLNA (filamin A; minus strand). Cytogenetic location: Xq28.
Variant type: single nucleotide variant.
Coding change: c.6004C>A on transcript NM_001110556.2 (MANE Select); coding-DNA position 6004, C replaced by A.
Protein change: p.Leu2002Met; replaces leucine 2002 with methionine.
Molecular consequence: missense variant.
Genome position (GRCh38, 1-based): chrX:154,353,314, G>T on the plus strand (C>A on the coding strand, the complement: FLNA is on the minus strand). VCF-style: chrX-154353314-G-T. GRCh37 (hg19) VCF-style: chrX-153581682-G-T.
Other names: c.5980C>A, p.Leu1994Met (NM_001456.4); short protein forms L1994M, L2002M.
Identifiers: ClinVar variation 2094144 (VCV002094144.4), dbSNP rs2522723838, ClinGen allele CA415197071.